The following is an entry in ClinVar:

ClinVar aggregate classification (germline): Pathogenic (1 of 4 stars; one submission).

Conditions:
Evans syndrome, immunodeficiency, and premature immunosenescence associated with tripeptidyl-peptidase II deficiency. Identifiers: MedGen CN231723. Disease mechanism: loss of function.

Submission:

Labcorp Genetics (formerly Invitae), Labcorp
Classification: Pathogenic for Evans syndrome, immunodeficiency, and premature immunosenescence associated with tripeptidyl-peptidase II deficiency. Last evaluated: 2018-08-15. Review status: criteria provided, single submitter. Criteria: Invitae Variant Classification Sherloc (09022015). Collection method: clinical testing. Allele origin: germline.
Comment: This sequence change creates a premature translational stop signal (p.Pro948Hisfs*26) in the TPP2 gene. It is expected to result in an absent or disrupted protein product. This variant is not present in population databases (ExAC no frequency). This variant has not been reported in the literature in individuals with TPP2-related disease. Loss-of-function variants in TPP2 are known to be pathogenic (PMID: 25414442). For these reasons, this variant has been classified as Pathogenic.

NM_001330588.2(TPP2):c.2843del (p.Pro948fs)

Gene: TPP2 (tripeptidyl peptidase 2; plus strand). Cytogenetic location: 13q33.1.
Variant type: Deletion.
Coding change: c.2843del on transcript NM_001330588.2 (MANE Select); coding-DNA position 2843, one base deleted (C; older notation c.2843delC).
Protein change: p.Pro948fs; shifts the reading frame from proline 948.
Molecular consequence: frameshift variant. On other transcripts: non-coding transcript variant (1).
Genome position (GRCh38, 1-based): chr13:102,649,121, C deleted; the last of 2 consecutive C bases (chr13:102,649,120-102,649,121); deleting either gives the same sequence. VCF-style (leftmost placement, unchanged base first): chr13-102649119-GC-G. GRCh37 (hg19) VCF-style: chr13-103301469-GC-G.
Other names: c.2843del, p.Pro948fs (NM_001367947.1, NM_003291.4); short protein forms P948fs.
Identifiers: ClinVar variation 663284 (VCV000663284.1), dbSNP rs1595188566, ClinGen allele CA915948918.